The following is an entry in ClinVar:

ClinVar aggregate classification (germline): Benign/Likely benign. Review status: criteria provided, multiple submitters, no conflicts (2 of 4 stars). 2 submissions from 2 submitters: Benign (1); Likely benign (1). Last evaluated 2024-06-20.

Conditions:
Familial cancer of breast. Also called: Hereditary breast cancer; BREAST CANCER, FAMILIAL; hereditary breast carcinoma. Identifiers: Orphanet 227535, MedGen C0346153, MONDO:0016419, OMIM 114480. Disease mechanism: loss of function.
Ataxia-telangiectasia syndrome (AT). Also called: Ataxia-telangiectasia, complementation group D; AT, COMPLEMENTATION GROUP C; ATAXIA-TELANGIECTASIA, COMPLEMENTATION GROUP A; ATAXIA-TELANGIECTASIA, FRESNO VARIANT; Ataxia-telangiectasia; LOUIS-BAR SYNDROME. Identifiers: Orphanet 100, MedGen C0004135, MONDO:0008840, OMIM 208900.

Allele frequency attached by ClinVar (database versions not stated): gnomAD exomes below 0.00001.
gnomAD v4.1: 1 of 1,613,888 alleles (0.000062%); highest among the groups gnomAD compares: Non-Finnish European, 0.000085%; no homozygotes.

Submissions (2):

Myriad Genetics, Inc.
Classification: Benign for Familial cancer of breast. Last evaluated: 2024-06-20. Review status: criteria provided, single submitter. Criteria: Myriad Autosomal Dominant, Autosomal Recessive and X-Linked Classification Criteria (2023). Collection method: clinical testing. Allele origin: unknown.
Comment: This variant is considered benign. This variant is a silent/synonymous amino acid change and it is not expected to impact splicing.

Labcorp Genetics (formerly Invitae), Labcorp
Classification: Likely benign for Ataxia-telangiectasia syndrome. Last evaluated: 2023-02-04. Review status: criteria provided, single submitter. Criteria: Invitae Variant Classification Sherloc (09022015). Collection method: clinical testing. Allele origin: germline.

NM_000051.4(ATM):c.8514A>G (p.Lys2838=)

Genes: ATM (ATM serine/threonine kinase; plus strand), C11orf65 (chromosome 11 open reading frame 65; minus strand). Cytogenetic location: 11q22.3.
Variant type: single nucleotide variant.
Coding change: c.8514A>G on transcript NM_000051.4 (MANE Select); coding-DNA position 8514, A replaced by G.
Protein change: p.Lys2838=; no amino-acid change (lysine 2838 retained).
Molecular consequence: synonymous variant. On other transcripts: intron variant (2).
Genome position (GRCh38, 1-based): chr11:108,345,838, A>G. VCF-style: chr11-108345838-A-G. GRCh37 (hg19) VCF-style: chr11-108216565-A-G.
Other names: c.8514A>G, p.Lys2838= (NM_001351834.2); c.641-36767T>C (NM_001330368.2); c.695-10546T>C (NM_001351110.2).
Identifiers: ClinVar variation 752156 (VCV000752156.12), dbSNP rs1591264927, ClinGen allele CA476673100.